The following is an entry in ClinVar:

ClinVar aggregate classification (germline): Likely pathogenic (1 of 4 stars; one submission).

Conditions:
CASR-related disorder. Also called: CASR-related condition.

Submission:

PreventionGenetics, part of Exact Sciences
Classification: Likely pathogenic for CASR-related condition. Last evaluated: 2026-04-02. Review status: criteria provided, single submitter. Criteria: ACMG Guidelines, 2015. Collection method: clinical testing. Allele origin: germline.
Comment: The CASR c.2079delC variant is predicted to result in a frameshift and premature protein termination (p.Phe694Leufs*14). To our knowledge, this variant has not been reported in the literature or in a large population database (gnomAD), indicating this variant is rare. This variant is referred to as c.2049delC (p.Phe684Leufs*14) in the NM_000388 transcript. This variant resides in the final exon of this gene, and it is unclear if the resulting mRNA would undergo nonsense-mediated decay, however, numerous truncating variants have been reported downstream of this variant (Human Gene Mutation Database). This variant is interpreted as likely pathogenic.

NM_000388.4(CASR):c.2049del (p.Phe684fs)

Gene: CASR (calcium sensing receptor; plus strand). Cytogenetic location: 3q21.1.
Variant type: Deletion.
Coding change: c.2049del on transcript NM_000388.4 (MANE Select); coding-DNA position 2049, one base deleted (C; older notation c.2049delC).
Protein change: p.Phe684fs; shifts the reading frame from phenylalanine 684.
Molecular consequence: frameshift variant.
Genome position (GRCh38, 1-based): chr3:122,284,003, C deleted; the last of 2 consecutive C bases (chr3:122,284,002-122,284,003); deleting either gives the same sequence. VCF-style (leftmost placement, unchanged base first): chr3-122284001-GC-G. GRCh37 (hg19) VCF-style: chr3-122002848-GC-G.
Other names: c.2079del, p.Phe694fs (NM_001178065.2); short protein forms F694fs, F684fs.
Identifiers: ClinVar variation 4994242 (VCV004994242.1).
Genomic context (GRCh38, chr3:122,284,001, plus strand): 5'-TCCAGCTCCCTGTTCTTCATCGGGGAGCCCCAGGACTGGACGTGCCGCCTGCGCCAGCCG[GC>G]CTTTGGCATCAGCTTCGTGCTCTGCATCTCATGCATCCTGGTGAAAACCAACCGTGTCCT-3'